The following is an entry in ClinVar:

NM_144988.4(ALG14):c.210T>G (p.Ile70Met)

Genes: ALG14 (ALG14 UDP-N-acetylglucosaminyltransferase subunit; minus strand), ALG14-AS1 (ALG14 antisense RNA 1; plus strand). Cytogenetic location: 1p21.3.
Variant type: single nucleotide variant.
Coding change: c.210T>G on transcript NM_144988.4 (MANE Select); coding-DNA position 210, T replaced by G.
Protein change: p.Ile70Met; replaces isoleucine 70 with methionine.
Molecular consequence: missense variant.
Genome position (GRCh38, 1-based): chr1:95,064,944, A>C on the plus strand (T>G on the coding strand, the complement: ALG14 is on the minus strand). VCF-style: chr1-95064944-A-C. GRCh37 (hg19) VCF-style: chr1-95530500-A-C.
Other names: c.210T>G, p.Ile70Met (NM_001305242.2); short protein forms I70M.
Identifiers: ClinVar variation 1919411 (VCV001919411.5), dbSNP rs1006151623, ClinGen allele CA27228973.

ClinVar aggregate classification (germline): Uncertain significance (1 of 4 stars; one submission).

Conditions:
Congenital myasthenic syndrome 15. Also called: Myasthenic syndrome, congenital, 15, without tubular aggregates. Identifiers: OMIM 616227, Orphanet 353327, Orphanet 590, MedGen C4015596, MONDO:0014542.

Allele frequency attached by ClinVar (database versions not stated): TOPMed below 0.00001.
gnomAD v4.1: 2 of 1,614,010 alleles (0.00012%); no homozygotes.

Submission:

Labcorp Genetics (formerly Invitae), Labcorp
Classification: Uncertain significance for Congenital myasthenic syndrome 15. Last evaluated: 2022-06-10. Review status: criteria provided, single submitter. Criteria: Invitae Variant Classification Sherloc (09022015). Collection method: clinical testing. Allele origin: germline.
Comment: This variant is not present in population databases (gnomAD no frequency). This sequence change replaces isoleucine, which is neutral and non-polar, with methionine, which is neutral and non-polar, at codon 70 of the ALG14 protein (p.Ile70Met). This variant has not been reported in the literature in individuals affected with ALG14-related conditions. In summary, the available evidence is currently insufficient to determine the role of this variant in disease. Therefore, it has been classified as a Variant of Uncertain Significance. Algorithms developed to predict the effect of missense changes on protein structure and function are either unavailable or do not agree on the potential impact of this missense change (SIFT: "Deleterious"; PolyPhen-2: "Benign"; Align-GVGD: "Class C0").